The following is an entry in ClinVar:

NM_020207.7(ERCC6L2):c.962G>A (p.Gly321Asp)

Gene: ERCC6L2 (ERCC excision repair 6 like 2; plus strand). Cytogenetic location: 9q22.32.
Variant type: single nucleotide variant.
Coding change: c.962G>A on transcript NM_020207.7 (MANE Select); coding-DNA position 962, G replaced by A.
Protein change: p.Gly321Asp; replaces glycine 321 with aspartic acid.
Molecular consequence: missense variant. On other transcripts: non-coding transcript variant (1).
Genome position (GRCh38, 1-based): chr9:95,916,238, G>A. VCF-style: chr9-95916238-G-A. GRCh37 (hg19) VCF-style: chr9-98678520-G-A.
Other names: c.962G>A, p.Gly321Asp (NM_001010895.4, NM_001375291.1, NM_001375292.1 and 2 more transcripts); short protein forms G321D.
Identifiers: ClinVar variation 5036079 (VCV005036079.1).

ClinVar aggregate classification (germline): Uncertain significance (1 of 4 stars; one submission).

Conditions:
Inborn genetic diseases. Identifiers: MedGen C0950123, MeSH D030342.

Submission:

Ambry Genetics
Classification: Uncertain significance for Inborn genetic diseases. Last evaluated: 2026-07-13. Review status: criteria provided, single submitter. Criteria: Ambry Variant Classification Scheme 2023. Collection method: clinical testing. Allele origin: germline.
Comment: The p.G321D variant (also known as c.962G>A), located in coding exon 6 of the ERCC6L2 gene, results from a G to A substitution at nucleotide position 962. The glycine at codon 321 is replaced by aspartic acid, an amino acid with similar properties. This amino acid position is conserved. In addition, this alteration is predicted to be deleterious by in silico analysis. Based on the available evidence, the clinical significance of this variant remains unclear.